The following is an entry in ClinVar:

NM_005144.5(HR):c.352C>T (p.Arg118Cys)

Gene: HR (HR lysine demethylase and nuclear receptor corepressor; minus strand). Cytogenetic location: 8p21.3.
Variant type: single nucleotide variant.
Coding change: c.352C>T on transcript NM_005144.5 (MANE Select); coding-DNA position 352, C replaced by T.
Protein change: p.Arg118Cys; replaces arginine 118 with cysteine.
Molecular consequence: missense variant.
Genome position (GRCh38, 1-based): chr8:22,128,819, G>A on the plus strand (C>T on the coding strand, the complement: HR is on the minus strand). VCF-style: chr8-22128819-G-A. GRCh37 (hg19) VCF-style: chr8-21986332-G-A.
Other names: c.352C>T (NM_005144.4); c.352C>T, p.Arg118Cys (NM_018411.4); short protein forms R118C.
Identifiers: ClinVar variation 2168706 (VCV002168706.29), dbSNP rs371390059, ClinGen allele CA4662728.

ClinVar aggregate classification (germline): Benign/Likely benign. Review status: criteria provided, multiple submitters, no conflicts (2 of 4 stars). 3 submissions from 3 submitters: Benign (1); Likely benign (1). 1 of the submissions does not count toward it. Last evaluated 2025-06-25.

Conditions:
HR-related disorder. Also called: HR-related condition; HR-related disorders. Identifiers: MedGen CN239293.

Allele frequency attached by ClinVar (database versions not stated): gnomAD 0.00029; gnomAD exomes 0.00060; 1000 Genomes Project 30x 0.00109; ExAC 0.00118; 1000 Genomes Project 0.00140; ESP Exome Variant Server 0.00008; TOPMed 0.00014.
gnomAD v4.1: 927 of 1,613,252 alleles (0.057%); highest among the groups gnomAD compares: South Asian, 0.68%; 11 homozygotes.

Submissions (3):

Labcorp Genetics (formerly Invitae), Labcorp
Classification: Benign. Last evaluated: 2025-06-25. Review status: criteria provided, single submitter. Criteria: Invitae Variant Classification Sherloc (09022015). Collection method: clinical testing. Allele origin: germline.

CeGaT Center for Human Genetics Tuebingen
Classification: Likely benign. Last evaluated: 2022-09-01. Review status: criteria provided, single submitter. Criteria: CeGaT Center For Human Genetics Tuebingen Variant Classification Criteria Version 2. Collection method: clinical testing. Allele origin: germline. Affected: yes. Observed: 1 variant allele.
Comment: HR: BP4

PreventionGenetics, part of Exact Sciences
Classification: Likely benign for HR-related condition. Last evaluated: 2020-02-18. Review status: no assertion criteria provided. Collection method: clinical testing. Allele origin: germline. Not counted in ClinVar's aggregate classification.
Comment: This variant is classified as likely benign based on ACMG/AMP sequence variant interpretation guidelines (Richards et al. 2015 PMID: 25741868, with internal and published modifications).